The following is an entry in ClinVar:

ClinVar aggregate classification (germline): Benign. Review status: criteria provided, multiple submitters, no conflicts (2 of 4 stars). 2 submissions from 2 submitters: Benign (2). Last evaluated 2018-01-12.

Conditions:
Congenital myasthenic syndrome 12 (CMS12). Also called: MYASTHENIC SYNDROME, CONGENITAL, WITH TUBULAR AGGREGATES 1; Myasthenia, congenital, 12, with tubular aggregates. Identifiers: Orphanet 353327, Orphanet 590, MedGen C3552335, MONDO:0012518, OMIM 610542.

Allele frequency attached by ClinVar (database versions not stated): TOPMed 0.00951; 1000 Genomes Project 30x 0.01046; 1000 Genomes Project 0.01058; gnomAD 0.01067 and 0.01134.

Submissions (2):

Illumina Laboratory Services, Illumina
Classification: Benign for Congenital myasthenic syndrome 12. Last evaluated: 2018-01-12. Review status: criteria provided, single submitter. Criteria: ICSL Variant Classification Criteria 13 December 2019. Collection method: clinical testing. Allele origin: germline.
Comment: This variant was observed in the ICSL laboratory as part of a predisposition screen in an ostensibly healthy population. It had not been previously curated by ICSL or reported in the Human Gene Mutation Database (HGMD: prior to June 1st, 2018), and was therefore a candidate for classification through an automated scoring system. Utilizing variant allele frequency, disease prevalence and penetrance estimates, and inheritance mode, an automated score was calculated to assess if this variant is too frequent to cause the disease. Based on the score and internal cut-off values, a variant classified as benign is not then subjected to further curation. The score for this variant resulted in a classification of benign for this disease.

Breakthrough Genomics
Classification: Benign. Review status: criteria provided, single submitter. Criteria: ACMG Guidelines, 2015. Collection method: not provided. Allele origin: germline. Inheritance: Autosomal recessive inheritance. Affected: yes.

NM_001244710.2(GFPT1):c.*4053T>A

Gene: GFPT1 (glutamine--fructose-6-phosphate transaminase 1; minus strand). Cytogenetic location: 2p13.3.
Variant type: single nucleotide variant.
Coding change: c.*4053T>A on transcript NM_001244710.2 (MANE Select); 4053 bases downstream of the stop codon, T replaced by A.
Molecular consequence: 3 prime UTR variant.
Genome position (GRCh38, 1-based): chr2:69,322,136, A>T on the plus strand (T>A on the coding strand, the complement: GFPT1 is on the minus strand). VCF-style: chr2-69322136-A-T. GRCh37 (hg19) VCF-style: chr2-69549268-A-T.
Other names: c.*4053T>A (NM_002056.4).
Identifiers: ClinVar variation 336808 (VCV000336808.6), dbSNP rs4128250, ClinGen allele CA10615721.